The following is an entry in ClinVar:

NM_000722.4(CACNA2D1):c.251G>A (p.Arg84Lys)

Gene: CACNA2D1 (calcium voltage-gated channel auxiliary subunit alpha2delta 1; minus strand). Cytogenetic location: 7q21.11.
Variant type: single nucleotide variant.
Coding change: c.251G>A on transcript NM_000722.4 (MANE Select); coding-DNA position 251, G replaced by A.
Protein change: p.Arg84Lys; replaces arginine 84 with lysine.
Molecular consequence: missense variant.
Genome position (GRCh38, 1-based): chr7:82,335,178, C>T on the plus strand (G>A on the coding strand, the complement: CACNA2D1 is on the minus strand). VCF-style: chr7-82335178-C-T. GRCh37 (hg19) VCF-style: chr7-81964494-C-T.
Other names: c.251G>A, p.Arg84Lys (NM_001302890.2, NM_001366867.1); short protein forms R84K.
Identifiers: ClinVar variation 1718337 (VCV001718337.4), dbSNP rs1817832156, ClinGen allele CA368017824.
Genomic context (GRCh38, chr7:82,335,178, plus strand): 5'-ATCCAATTTAAACTCACCACCAGGGCTTTAGATCTGTTGCTCAGAAGTTTCTCAATATCC[C>T]TGGCTGCAATTTCTACCAGCTGGCGTGCATTATTTGGTTCCACAGTATACAAATCTTGAT-3'
Protein context (NP_000713.2, residues 74-94): NARQLVEIAA[Arg84Lys]DIEKLLSNRS

ClinVar aggregate classification (germline): Uncertain significance (1 of 4 stars; one submission).

Conditions:
Brugada syndrome. Also called: Sudden Unexplained Death Syndrome; Sudden Unexplained Nocturnal Death Syndrome (SUNDS); Sudden unexpected nocturnal death syndrome; Sudden unexplained nocturnal death syndrome. Identifiers: Orphanet 130, MedGen C1142166, MONDO:0015263.

Allele frequency attached by ClinVar (database versions not stated): gnomAD exomes below 0.00001; gnomAD 0.00001; TOPMed 0.00001.
gnomAD v4.1: 3 of 1,613,154 alleles (0.00019%); highest among the groups gnomAD compares: Non-Finnish European, 0.00025%; no homozygotes.

Submission:

Labcorp Genetics (formerly Invitae), Labcorp
Classification: Uncertain significance for Brugada syndrome. Last evaluated: 2024-01-30. Review status: criteria provided, single submitter. Criteria: Invitae Variant Classification Sherloc (09022015). Collection method: clinical testing. Allele origin: germline.
Comment: This sequence change replaces arginine, which is basic and polar, with lysine, which is basic and polar, at codon 84 of the CACNA2D1 protein (p.Arg84Lys). This variant is not present in population databases (gnomAD no frequency). This variant has not been reported in the literature in individuals affected with CACNA2D1-related conditions. ClinVar contains an entry for this variant (Variation ID: 1718337). An algorithm developed to predict the effect of missense changes on protein structure and function (PolyPhen-2) suggests that this variant¬†is likely to be tolerated. In summary, the available evidence is currently insufficient to determine the role of this variant in disease. Therefore, it has been classified as a Variant of Uncertain Significance.